The following is an entry in ClinVar:

ClinVar aggregate classification (germline): Benign/Likely benign. Review status: criteria provided, multiple submitters, no conflicts (2 of 4 stars). 2 submissions from 2 submitters: Benign (1); Likely benign (1). Last evaluated 2025-01-15.

Conditions:
Hereditary cancer-predisposing syndrome. Also called: Neoplastic Syndromes, Hereditary; Tumor predisposition; Hereditary Cancer Syndrome; Hereditary neoplastic syndrome. Identifiers: Orphanet 140162, MedGen C0027672, MeSH D009386, MONDO:0015356.
Familial cancer of breast. Also called: BREAST CANCER, FAMILIAL; Hereditary breast cancer; hereditary breast carcinoma. Identifiers: Orphanet 227535, MedGen C0346153, MONDO:0016419, OMIM 114480. Disease mechanism: loss of function.

Submissions (2):

Myriad Genetics, Inc.
Classification: Benign for Familial cancer of breast. Last evaluated: 2025-01-15. Review status: criteria provided, single submitter. Criteria: Myriad Autosomal Dominant, Autosomal Recessive and X-Linked Classification Criteria (2023). Collection method: clinical testing. Allele origin: unknown.
Comment: This variant is considered benign. This variant is a silent/synonymous amino acid change and it is not expected to impact splicing.

Ambry Genetics
Classification: Likely benign for Hereditary cancer-predisposing syndrome. Last evaluated: 2024-08-28. Review status: criteria provided, single submitter. Criteria: Ambry Variant Classification Scheme 2023. Collection method: clinical testing. Allele origin: germline.

NM_024675.4(PALB2):c.2283T>C (p.Ala761=)

Gene: PALB2 (partner and localizer of BRCA2; minus strand). Cytogenetic location: 16p12.2.
Variant type: single nucleotide variant.
Coding change: c.2283T>C on transcript NM_024675.4 (MANE Select); coding-DNA position 2283, T replaced by C.
Protein change: p.Ala761=; no amino-acid change (alanine 761 retained).
Molecular consequence: synonymous variant. On other transcripts: intron variant (1).
Genome position (GRCh38, 1-based): chr16:23,629,871, A>G on the plus strand (T>C on the coding strand, the complement: PALB2 is on the minus strand). VCF-style: chr16-23629871-A-G. GRCh37 (hg19) VCF-style: chr16-23641192-A-G.
Other names: c.2223T>C, p.Ala741= (NM_001407296.1); c.2283T>C, p.Ala761= (NM_001407297.1, NM_001407298.1, NM_001407299.1 and 3 more transcripts); c.1398T>C, p.Ala466= (NM_001407304.1, NM_001407305.1, NM_001407306.1 and 5 more transcripts); c.495T>C, p.Ala165= (NM_001407312.1, NM_001407313.1); c.49-596T>C (NM_001407314.1).
Identifiers: ClinVar variation 3413461 (VCV003413461.2).